The following is an entry in ClinVar:

ClinVar aggregate classification (germline): Uncertain significance (1 of 4 stars; one submission).

Conditions:
Costello syndrome (CSTLO). Also called: HRAS-Related Costello Syndrome; FACIOCUTANEOSKELETAL SYNDROME; FCS SYNDROME. Identifiers: Orphanet 3071, MedGen C0587248, MONDO:0009026, OMIM 218040.

Allele frequency attached by ClinVar (database versions not stated): gnomAD exomes below 0.00001; TOPMed 0.00001.
gnomAD v4.1: 7 of 1,613,226 alleles (0.00043%); highest among the groups gnomAD compares: East Asian, 0.0022%; no homozygotes.

Submission:

Labcorp Genetics (formerly Invitae), Labcorp
Classification: Uncertain significance for Costello syndrome. Last evaluated: 2025-09-14. Review status: criteria provided, single submitter. Criteria: Invitae Variant Classification Sherloc (09022015). Collection method: clinical testing. Allele origin: germline.
Comment: This sequence change falls in intron 3 of the HRAS gene. It does not directly change the encoded amino acid sequence of the HRAS protein. It affects a nucleotide within the consensus splice site. This variant is present in population databases (no rsID available, gnomAD 0.006%). This variant has not been reported in the literature in individuals affected with HRAS-related conditions. ClinVar contains an entry for this variant (Variation ID: 240134). Variants that disrupt the consensus splice site are a relatively common cause of aberrant splicing (PMID: 17576681, 9536098). Algorithms developed to predict the effect of sequence changes on RNA splicing suggest that this variant is not likely to affect RNA splicing. In summary, the available evidence is currently insufficient to determine the role of this variant in disease. Therefore, it has been classified as a Variant of Uncertain Significance.

Literature cited by the submitters: PubMed 17576681; PubMed 9536098.

NM_005343.4(HRAS):c.290+6C>A

Genes: HRAS (HRas proto-oncogene, GTPase; minus strand), LRRC56 (leucine rich repeat containing 56; plus strand). Cytogenetic location: 11p15.5.
Variant type: single nucleotide variant.
Coding change: c.290+6C>A on transcript NM_005343.4 (MANE Select); 6 bases into the intron after coding-DNA position 290, C replaced by A.
Molecular consequence: intron variant.
Genome position (GRCh38, 1-based): chr11:533,760, G>T on the plus strand (C>A on the coding strand, the complement: HRAS is on the minus strand). VCF-style: chr11-533760-G-T. GRCh37 (hg19) VCF-style: chr11-533760-G-T.
Other names: c.290+6C>A (NM_001130442.3, NM_176795.5); c.-30+6C>A (NM_001318054.2).
Identifiers: ClinVar variation 240134 (VCV000240134.9), dbSNP rs878854758, ClinGen allele CA10582924.